The following is an entry in ClinVar:

ClinVar aggregate classification (germline): Uncertain significance. Review status: criteria provided, multiple submitters, no conflicts (2 of 4 stars). 3 submissions from 3 submitters: Uncertain significance (3). Last evaluated 2025-07-29.

Conditions:
Inborn genetic diseases. Identifiers: MedGen C0950123, MeSH D030342.
Fanconi anemia (FA). Also called: Fanconi's anemia. Identifiers: Orphanet 84, MedGen C0015625, MeSH D005199, MONDO:0019391.
Fanconi anemia complementation group L (FANCL). Also called: FANCL-Related Fanconi Anemia. Identifiers: Orphanet 84, MedGen C3469528, MONDO:0013566, OMIM 614083.

Allele frequency attached by ClinVar (database versions not stated): TOPMed below 0.00001; ExAC 0.00002; gnomAD exomes 0.00002.
gnomAD v4.1: 23 of 1,614,028 alleles (0.0014%); highest among the groups gnomAD compares: Non-Finnish European, 0.0017%; no homozygotes.

Submissions (3):

Labcorp Genetics (formerly Invitae), Labcorp
Classification: Uncertain significance for Fanconi anemia. Last evaluated: 2025-07-29. Review status: criteria provided, single submitter. Criteria: Invitae Variant Classification Sherloc (09022015). Collection method: clinical testing. Allele origin: germline.
Comment: This sequence change replaces lysine, which is basic and polar, with asparagine, which is neutral and polar, at codon 198 of the FANCL protein (p.Lys198Asn). This variant is present in population databases (rs755792621, gnomAD 0.002%). This variant has not been reported in the literature in individuals affected with FANCL-related conditions. ClinVar contains an entry for this variant (Variation ID: 2917650). Invitae Evidence Modeling of protein sequence and biophysical properties (such as structural, functional, and spatial information, amino acid conservation, physicochemical variation, residue mobility, and thermodynamic stability) indicates that this missense variant is not expected to disrupt FANCL protein function with a negative predictive value of 80%. In summary, the available evidence is currently insufficient to determine the role of this variant in disease. Therefore, it has been classified as a Variant of Uncertain Significance.

Ambry Genetics
Classification: Uncertain significance for Inborn genetic diseases. Last evaluated: 2024-05-15. Review status: criteria provided, single submitter. Criteria: Ambry Variant Classification Scheme 2023. Collection method: clinical testing. Allele origin: germline.

Fulgent Genetics
Classification: Uncertain significance for Fanconi anemia complementation group L. Last evaluated: 2024-02-23. Review status: criteria provided, single submitter. Criteria: ACMG Guidelines, 2015. Collection method: clinical testing. Allele origin: germline.

NM_018062.4(FANCL):c.594G>C (p.Lys198Asn)

Gene: FANCL (FA complementation group L; minus strand). Cytogenetic location: 2p16.1.
Variant type: single nucleotide variant.
Coding change: c.594G>C on transcript NM_018062.4 (MANE Select); coding-DNA position 594, G replaced by C.
Protein change: p.Lys198Asn; replaces lysine 198 with asparagine.
Molecular consequence: missense variant.
Genome position (GRCh38, 1-based): chr2:58,165,821, C>G on the plus strand (G>C on the coding strand, the complement: FANCL is on the minus strand). VCF-style: chr2-58165821-C-G. GRCh37 (hg19) VCF-style: chr2-58392956-C-G.
Other names: c.609G>C, p.Lys203Asn (NM_001114636.2); c.639G>C, p.Lys213Asn (NM_001374615.1); c.654G>C, p.Lys218Asn (NM_001410792.1); short protein forms K213N, K198N, K218N, K203N.
Identifiers: ClinVar variation 2917650 (VCV002917650.4), dbSNP rs755792621, ClinGen allele CA1670543.
Genomic context (GRCh38, chr2:58,165,821, plus strand): 5'-TTTTTCTGGCTCAAGTACCCAGGTCTTCTCATCGATTTCATCCATAACATCCCAGAATGC[C>G]TTTAGTGATTCTATTGCTGCCAAAAACTGACTATAAATGCTTATTAAGGAGCTCTGTGAA-3'
Protein context (NP_060532.2, residues 188-208): SQFLAAIESL[Lys198Asn]AFWDVMDEID